The following is an entry in ClinVar:

NM_016204.4(GDF2):c.317C>G (p.Ser106Cys)

Gene: GDF2 (growth differentiation factor 2; plus strand). Cytogenetic location: 10q11.22.
Variant type: single nucleotide variant.
Coding change: c.317C>G on transcript NM_016204.4 (MANE Select); coding-DNA position 317, C replaced by G.
Protein change: p.Ser106Cys; replaces serine 106 with cysteine.
Molecular consequence: missense variant.
Genome position (GRCh38, 1-based): chr10:47,322,985, C>G. VCF-style: chr10-47322985-C-G. GRCh37 (hg19) VCF-style: chr10-48416377-G-C.
Other names: short protein forms S106C.
Identifiers: ClinVar variation 5022270 (VCV005022270.1).

ClinVar aggregate classification (germline): Uncertain significance (1 of 4 stars; one submission).

Conditions:
Cardiovascular phenotype. Identifiers: MedGen CN230736.

Submission:

Ambry Genetics
Classification: Uncertain significance for Cardiovascular phenotype. Last evaluated: 2026-09-14. Review status: criteria provided, single submitter. Criteria: Ambry Variant Classification Scheme 2023. Collection method: clinical testing. Allele origin: germline.
Comment: The p.S106C variant (also known as c.317C>G), located in coding exon 1 of the GDF2 gene, results from a C to G substitution at nucleotide position 317. The serine at codon 106 is replaced by cysteine, an amino acid with dissimilar properties. This amino acid position is conserved. Based on the available evidence, the clinical significance of this variant remains unclear.